The following is an entry in ClinVar:

NM_201384.3(PLEC):c.10986C>T (p.Thr3662=)

Gene: PLEC (plectin; minus strand). Cytogenetic location: 8q24.3.
Variant type: single nucleotide variant.
Coding change: c.10986C>T on transcript NM_201384.3 (MANE Select); coding-DNA position 10986, C replaced by T.
Protein change: p.Thr3662=; no amino-acid change (threonine 3662 retained).
Molecular consequence: synonymous variant.
Genome position (GRCh38, 1-based): chr8:143,918,835, G>A on the plus strand (C>T on the coding strand, the complement: PLEC is on the minus strand). VCF-style: chr8-143918835-G-A. GRCh37 (hg19) VCF-style: chr8-144993003-G-A.
Other names: p.Thr3648=; c.11067C>T, p.Thr3689= (NM_000445.5); c.10944C>T, p.Thr3648= (NM_201378.4); c.10920C>T, p.Thr3640= (NM_201379.3); c.11397C>T, p.Thr3799= (NM_201380.4); c.10890C>T, p.Thr3630= (NM_201381.3); c.10986C>T, p.Thr3662= (NM_201382.4); c.10998C>T, p.Thr3666= (NM_201383.3).
Identifiers: ClinVar variation 129924 (VCV000129924.45), dbSNP rs35134741, ClinGen allele CA154353.

ClinVar aggregate classification (germline): Benign. Review status: criteria provided, multiple submitters, no conflicts (2 of 4 stars). 9 submissions from 9 submitters: Benign (8). 1 of the submissions does not count toward it. Last evaluated 2026-09-01.

Conditions:
Autosomal recessive limb-girdle muscular dystrophy type 2Q (LGMDR17). Also called: MUSCULAR DYSTROPHY, LIMB-GIRDLE, AUTOSOMAL RECESSIVE 17. Identifiers: Orphanet 254361, MedGen C3150989, MONDO:0013390, OMIM 613723.
Epidermolysis bullosa simplex 5C, with pyloric atresia (EBS5C). Also called: PLEC-Related Epidermolysis Bullosa with Pyloric Atresia; Epidermolysis bullosa simplex with pyloric atresia; PLEC1-Related Epidermolysis Bullosa with Pyloric Atresia. Identifiers: Orphanet 158684, MedGen C2677349, MONDO:0012807, OMIM 612138.
Epidermolysis bullosa simplex, Ogna type (EBS5A). Also called: Pidermolysis bullosa simplex 5A, Ogna type; EPIDERMOLYSIS BULLOSA SIMPLEX 5A, OGNA TYPE. Identifiers: Orphanet 79401, MedGen C0432317, MONDO:0007555, OMIM 131950.
Epidermolysis bullosa simplex with nail dystrophy (EBS5D). Identifiers: MedGen C4225309, MONDO:0014661, OMIM 616487.
Epidermolysis bullosa simplex 5B, with muscular dystrophy (EBS5B). Also called: EPIDERMOLYSIS BULLOSA SIMPLEX AND LIMB-GIRDLE MUSCULAR DYSTROPHY; Epidermolysis bullosa simplex with muscular dystrophy. Identifiers: Orphanet 257, MedGen C2931072, MONDO:0009181, OMIM 226670.

Allele frequency attached by ClinVar (database versions not stated): 1000 Genomes Project 0.00419; 1000 Genomes Project 30x 0.00468; TOPMed 0.00847; gnomAD 0.00952 and 0.00977; ExAC 0.00988; ESP Exome Variant Server 0.01059.
gnomAD v4.1: 20,848 of 1,613,134 alleles (1.3%); highest among the groups gnomAD compares: Non-Finnish European, 1.5%; 180 homozygotes.

Submissions (9):

CeGaT Center for Human Genetics Tuebingen
Classification: Benign. Last evaluated: 2026-09-01. Review status: criteria provided, single submitter. Criteria: CeGaT Center For Human Genetics Tuebingen Variant Classification Criteria Version 2. Collection method: clinical testing. Allele origin: germline. Affected: yes. Observed: 32 variant alleles.
Comment: PLEC: BP4, BP7, BS1, BS2

Labcorp Genetics (formerly Invitae), Labcorp
Classification: Benign for Autosomal recessive limb-girdle muscular dystrophy type 2Q; Epidermolysis bullosa simplex, Ogna type; Epidermolysis bullosa simplex with nail dystrophy; Epidermolysis bullosa simplex 5C, with pyloric atresia; Epidermolysis bullosa simplex 5B, with muscular dystrophy. Last evaluated: 2026-02-02. Review status: criteria provided, single submitter. Criteria: Invitae Variant Classification Sherloc (09022015). Collection method: clinical testing. Allele origin: germline.

Athena Diagnostics
Classification: Benign. Last evaluated: 2025-09-09. Review status: criteria provided, single submitter. Criteria: Athena Diagnostics Criteria. Collection method: clinical testing. Allele origin: unknown.
Comment: The frequency of this variant in the general population is higher than would generally be expected for pathogenic variants in this gene. Computational tools yielded predictions that this variant is unlikely to have an effect on normal RNA splicing. This nucleotide position exhibits low evolutionary conservation.

Blueprint Genetics
Classification: Benign. Last evaluated: 2024-11-27. Review status: criteria provided, single submitter. Criteria: ACMG Guidelines, 2015. Collection method: clinical testing. Allele origin: germline.

Mayo Clinic Laboratories, Mayo Clinic
Classification: Benign. Last evaluated: 2018-01-15. Review status: criteria provided, single submitter. Criteria: ACMG Guidelines, 2015. Collection method: clinical testing. Allele origin: germline. Observed: 22 variant alleles.

GeneDx
Classification: Benign. Last evaluated: 2016-05-20. Review status: criteria provided, single submitter. Criteria: GeneDx Variant Classification (06012015). Collection method: clinical testing. Allele origin: germline. Affected: yes.
Comment: This variant is considered likely benign or benign based on one or more of the following criteria: it is a conservative change, it occurs at a poorly conserved position in the protein, it is predicted to be benign by multiple in silico algorithms, and/or has population frequency not consistent with disease.

Breakthrough Genomics
Classification: Benign. Review status: criteria provided, single submitter. Criteria: ACMG Guidelines, 2015. Collection method: not provided. Allele origin: germline. Inheritance: Autosomal recessive inheritance. Affected: yes.

PreventionGenetics, part of Exact Sciences
Classification: Benign. Review status: criteria provided, single submitter. Criteria: ACMG Guidelines, 2015. Collection method: clinical testing. Allele origin: germline.

Genetic Services Laboratory, University of Chicago
Classification: Likely benign for AllHighlyPenetrant. Review status: no assertion criteria provided. Collection method: clinical testing. Allele origin: germline. Inheritance: Autosomal recessive inheritance. Not counted in ClinVar's aggregate classification.
Comment: Likely benign based on allele frequency in 1000 Genomes Project or ESP global frequency and its presence in a patient with a rare or unrelated disease phenotype. NOT Sanger confirmed.